The following is an entry in ClinVar:

NM_001035.3(RYR2):c.7G>T (p.Asp3Tyr)

Gene: RYR2 (ryanodine receptor 2; plus strand). Cytogenetic location: 1q43.
Variant type: single nucleotide variant.
Coding change: c.7G>T on transcript NM_001035.3 (MANE Select); coding-DNA position 7, G replaced by T.
Protein change: p.Asp3Tyr; replaces aspartic acid 3 with tyrosine.
Molecular consequence: missense variant.
Genome position (GRCh38, 1-based): chr1:237,042,528, G>T. VCF-style: chr1-237042528-G-T. GRCh37 (hg19) VCF-style: chr1-237205828-G-T.
Other names: short protein forms D3Y.
Identifiers: ClinVar variation 3650830 (VCV003650830.3).

ClinVar aggregate classification (germline): Uncertain significance. Review status: criteria provided, multiple submitters, no conflicts (2 of 4 stars). 2 submissions from 2 submitters: Uncertain significance (2). Last evaluated 2024-08-05.

Conditions:
Cardiomyopathy (CMYO). Also called: Cardiomyopathies. Identifiers: Orphanet 167848, MedGen C0878544, MONDO:0004994, HP:0001638. Inheritance: Various modes of inheritance.
Catecholaminergic polymorphic ventricular tachycardia 1. Also called: RYR2-Related Catecholaminergic Polymorphic Ventricular Tachycardia; VENTRICULAR TACHYCARDIA, CATECHOLAMINERGIC POLYMORPHIC, 1, WITH OR WITHOUT ATRIAL DYSFUNCTION AND/OR DILATED CARDIOMYOPATHY; VENTRICULAR TACHYCARDIA, STRESS-INDUCED POLYMORPHIC 1. Identifiers: Orphanet 3286, MedGen C1631597, MONDO:0011484, OMIM 604772.

Submissions (2):

Color Diagnostics, LLC DBA Color Health
Classification: Uncertain significance for Cardiomyopathy. Last evaluated: 2024-08-05. Review status: criteria provided, single submitter. Criteria: ACMG Guidelines, 2015. Collection method: clinical testing. Allele origin: germline.
Comment: This missense variant replaces aspartic acid with tyrosine at codon 3 of the RYR2 protein. Computational prediction suggests that this variant may not impact protein structure and function (internally defined REVEL score threshold <= 0.5, PMID: 27666373). To our knowledge, functional studies have not been reported for this variant. This variant has not been reported in individuals affected with RYR2-related disorders in the literature. This variant has not been identified in the general population by the Genome Aggregation Database (gnomAD). The available evidence is insufficient to determine the role of this variant in disease conclusively. Therefore, this variant is classified as a Variant of Uncertain Significance.

Labcorp Genetics (formerly Invitae), Labcorp
Classification: Uncertain significance for Catecholaminergic polymorphic ventricular tachycardia 1. Last evaluated: 2024-03-22. Review status: criteria provided, single submitter. Criteria: Invitae Variant Classification Sherloc (09022015). Collection method: clinical testing. Allele origin: germline.
Comment: This sequence change replaces aspartic acid, which is acidic and polar, with tyrosine, which is neutral and polar, at codon 3 of the RYR2 protein (p.Asp3Tyr). This variant is not present in population databases (gnomAD no frequency). This variant has not been reported in the literature in individuals affected with RYR2-related conditions. Advanced modeling of protein sequence and biophysical properties (such as structural, functional, and spatial information, amino acid conservation, physicochemical variation, residue mobility, and thermodynamic stability) performed at Invitae indicates that this missense variant is expected to disrupt RYR2 protein function with a positive predictive value of 95%. In summary, the available evidence is currently insufficient to determine the role of this variant in disease. Therefore, it has been classified as a Variant of Uncertain Significance.